The following is an entry in ClinVar:

NM_021096.4(CACNA1I):c.3664A>G (p.Lys1222Glu)

Gene: CACNA1I (calcium voltage-gated channel subunit alpha1 I; plus strand). Cytogenetic location: 22q13.1.
Variant type: single nucleotide variant.
Coding change: c.3664A>G on transcript NM_021096.4 (MANE Select); coding-DNA position 3664, A replaced by G.
Protein change: p.Lys1222Glu; replaces lysine 1222 with glutamic acid.
Molecular consequence: missense variant.
Genome position (GRCh38, 1-based): chr22:39,664,157, A>G. VCF-style: chr22-39664157-A-G. GRCh37 (hg19) VCF-style: chr22-40060162-A-G.
Other names: c.3559A>G, p.Lys1187Glu (NM_001003406.2); short protein forms K1187E, K1222E.
Identifiers: ClinVar variation 3360906 (VCV003360906.1).

ClinVar aggregate classification (germline): Uncertain significance (1 of 4 stars; one submission).

Submission:

GeneDx
Classification: Uncertain significance. Last evaluated: 2023-07-13. Review status: criteria provided, single submitter. Criteria: GeneDx Variant Classification Process June 2021. Collection method: clinical testing. Allele origin: germline. Affected: yes.
Comment: Not observed at significant frequency in large population cohorts (gnomAD); In silico analysis supports that this missense variant has a deleterious effect on protein structure/function; Has not been previously published as pathogenic or benign to our knowledge